The following is an entry in ClinVar:

NM_001875.5(CPS1):c.442A>G (p.Ser148Gly)

Gene: CPS1 (carbamoyl-phosphate synthase 1; plus strand). Cytogenetic location: 2q34.
Variant type: single nucleotide variant.
Coding change: c.442A>G on transcript NM_001875.5 (MANE Select); coding-DNA position 442, A replaced by G.
Protein change: p.Ser148Gly; replaces serine 148 with glycine.
Molecular consequence: missense variant. On other transcripts: non-coding transcript variant (1).
Genome position (GRCh38, 1-based): chr2:210,577,481, A>G. VCF-style: chr2-210577481-A-G. GRCh37 (hg19) VCF-style: chr2-211442205-A-G.
Other names: c.442A>G, p.Ser148Gly (NM_001122633.3, NM_001369257.1); c.475A>G, p.Ser159Gly (NM_001369256.1); short protein forms S159G, S148G.
Identifiers: ClinVar variation 2060591 (VCV002060591.4), dbSNP rs773663393, ClinGen allele CA2086024.
Genomic context (GRCh38, chr2:210,577,481, plus strand): 5'-GTTTCAGGTTTGCTGGTGCTGGATTATAGTAAAGACTACAACCACTGGCTGGCTACCAAG[A>G]GTTTAGGGCAATGGCTACAGGAAGAAAAGGTAAGAAATGTAATAGGGCATCCATCATCAC-3'
Protein context (NP_001866.2, residues 138-158): KDYNHWLATK[Ser148Gly]LGQWLQEEKV

ClinVar aggregate classification (germline): Uncertain significance. Review status: criteria provided, multiple submitters, no conflicts (2 of 4 stars). 2 submissions from 2 submitters: Uncertain significance (2). Last evaluated 2024-07-17.

Conditions:
Inborn genetic diseases. Identifiers: MedGen C0950123, MeSH D030342.
Congenital hyperammonemia, type I. Also called: CPS I DEFICIENCY; Carbamoyl phosphate synthetase 1 deficiency; Hyperammonemia due to carbamoyl phosphate synthetase 1 deficiency; CPS 1 deficiency; Carbamyl phosphate synthetase (CPS) deficiency; Carbamoyl-phosphate synthase I deficiency. Identifiers: Orphanet 147, MedGen C4082171, MONDO:0009376, OMIM 237300.

Allele frequency attached by ClinVar (database versions not stated): ExAC 0.00005; gnomAD 0.00008; TOPMed 0.00009.
gnomAD v4.1: 97 of 1,613,666 alleles (0.006%); highest among the groups gnomAD compares: Non-Finnish European, 0.008%; no homozygotes.

Submissions (2):

Labcorp Genetics (formerly Invitae), Labcorp
Classification: Uncertain significance for Congenital hyperammonemia, type I. Last evaluated: 2024-07-17. Review status: criteria provided, single submitter. Criteria: Invitae Variant Classification Sherloc (09022015). Collection method: clinical testing. Allele origin: germline.
Comment: This sequence change replaces serine, which is neutral and polar, with glycine, which is neutral and non-polar, at codon 148 of the CPS1 protein (p.Ser148Gly). This variant is present in population databases (rs773663393, gnomAD 0.01%). This variant has not been reported in the literature in individuals affected with CPS1-related conditions. ClinVar contains an entry for this variant (Variation ID: 2060591). Advanced modeling of protein sequence and biophysical properties (such as structural, functional, and spatial information, amino acid conservation, physicochemical variation, residue mobility, and thermodynamic stability) performed at Invitae indicates that this missense variant is not expected to disrupt CPS1 protein function with a negative predictive value of 95%. In summary, the available evidence is currently insufficient to determine the role of this variant in disease. Therefore, it has been classified as a Variant of Uncertain Significance.

Ambry Genetics
Classification: Uncertain significance for Inborn genetic diseases. Last evaluated: 2021-08-13. Review status: criteria provided, single submitter. Criteria: Ambry Variant Classification Scheme 2023. Collection method: clinical testing. Allele origin: germline.